The following is an entry in ClinVar:

ClinVar aggregate classification (germline): Benign. Review status: criteria provided, multiple submitters, no conflicts (2 of 4 stars). 9 submissions from 9 submitters: Benign (9). Last evaluated 2026-02-04.

Conditions:
Cardiovascular phenotype. Identifiers: MedGen CN230736.
Hereditary cancer-predisposing syndrome. Also called: Tumor predisposition; Neoplastic Syndromes, Hereditary; Hereditary neoplastic syndrome; Hereditary Cancer Syndrome. Identifiers: Orphanet 140162, MedGen C0027672, MeSH D009386, MONDO:0015356.
LZTR1-related schwannomatosis. Also called: Schwannomatosis-2, susceptibility to; Schwannomatosis 2. Identifiers: Orphanet 93921, MedGen C3810283, MONDO:0014299, OMIM 615670.
Noonan syndrome 2 (NS2). Identifiers: Orphanet 648, MedGen C1854469, MONDO:0011531, OMIM 605275.
Noonan syndrome 10 (NS10). Identifiers: Orphanet 648, MedGen C4225280, MONDO:0014693, OMIM 616564.
Noonan syndrome and Noonan-related syndrome. Identifiers: Orphanet 98733, MedGen C5681679, MONDO:0020297.

Allele frequency attached by ClinVar (database versions not stated): gnomAD exomes 0.00295 and 0.00746; ExAC 0.00879; 1000 Genomes Project 0.02756; gnomAD 0.02850 and 0.03087; ESP Exome Variant Server 0.03060; 1000 Genomes Project 30x 0.03123; TOPMed 0.03280.
gnomAD v4.1: 8,851 of 1,613,606 alleles (0.55%); highest among the groups gnomAD compares: African/African-American, 9.9%; 419 homozygotes.

Submissions (9):

Labcorp Genetics (formerly Invitae), Labcorp
Classification: Benign. Last evaluated: 2026-02-04. Review status: criteria provided, single submitter. Criteria: Invitae Variant Classification Sherloc (09022015). Collection method: clinical testing. Allele origin: germline.

Blueprint Genetics
Classification: Benign. Last evaluated: 2024-11-26. Review status: criteria provided, single submitter. Criteria: ACMG Guidelines, 2015. Collection method: clinical testing. Allele origin: germline.

Department of Pathology and Laboratory Medicine, Sinai Health System
Classification: Benign for Noonan syndrome 2; LZTR1-related schwannomatosis; Noonan syndrome 10. Last evaluated: 2023-10-02. Review status: criteria provided, single submitter. Criteria: ACMG Guidelines, 2015. Collection method: clinical testing. Allele origin: germline. Affected: yes.

Mayo Clinic Laboratories, Mayo Clinic
Classification: Benign. Last evaluated: 2023-02-20. Review status: criteria provided, single submitter. Criteria: ACMG Guidelines, 2015. Collection method: clinical testing. Allele origin: germline. Observed: 29 variant alleles.

Genome Diagnostics Laboratory, The Hospital for Sick Children
Classification: Benign for Noonan syndrome and Noonan-related syndrome. Last evaluated: 2021-03-18. Review status: criteria provided, single submitter. Criteria: ACMG Guidelines, 2015. Collection method: clinical testing. Allele origin: germline.

Ambry Genetics
Classification: Benign for Cardiovascular phenotype; Hereditary cancer-predisposing syndrome. Last evaluated: 2019-09-28. Review status: criteria provided, single submitter. Criteria: Ambry Variant Classification Scheme 2023. Collection method: clinical testing. Allele origin: germline.

Women's Health and Genetics/Laboratory Corporation of America, LabCorp
Classification: Benign. Last evaluated: 2019-08-27. Review status: criteria provided, single submitter. Criteria: LabCorp Variant Classification Summary - May 2015. Collection method: clinical testing. Allele origin: germline.

GeneDx
Classification: Benign. Last evaluated: 2016-11-01. Review status: criteria provided, single submitter. Criteria: GeneDx Variant Classification (06012015). Collection method: clinical testing. Allele origin: germline. Affected: yes.
Comment: This variant is considered likely benign or benign based on one or more of the following criteria: it is a conservative change, it occurs at a poorly conserved position in the protein, it is predicted to be benign by multiple in silico algorithms, and/or has population frequency not consistent with disease.

Breakthrough Genomics
Classification: Benign. Review status: criteria provided, single submitter. Criteria: ACMG Guidelines, 2015. Collection method: not provided. Allele origin: germline. Inheritance: Autosomal recessive inheritance. Affected: yes.

NM_006767.4(LZTR1):c.1962C>T (p.Asp654=)

Gene: LZTR1 (leucine zipper like post translational regulator 1; plus strand). Cytogenetic location: 22q11.21.
Variant type: single nucleotide variant.
Coding change: c.1962C>T on transcript NM_006767.4 (MANE Select); coding-DNA position 1962, C replaced by T.
Protein change: p.Asp654=; no amino-acid change (aspartic acid 654 retained).
Molecular consequence: synonymous variant.
Genome position (GRCh38, 1-based): chr22:20,995,765, C>T. VCF-style: chr22-20995765-C-T. GRCh37 (hg19) VCF-style: chr22-21350054-C-T.
Other names: p.Asp654=.
Identifiers: ClinVar variation 379759 (VCV000379759.24), dbSNP rs1131176, ClinGen allele CA10119174.
Genomic context (GRCh38, chr22:20,995,765, plus strand): 5'-AATCCCAGGCTGTACCTGCTCAGGGACCCTCCTACCCCCAGGCACATCTCTGATCCAGGA[C>T]ATGAAGGCATACCTGGAGGGAGCGGGCGCGGAATTCTGTGACATCACTCTGTTGCTTGAC-3'
Protein context (NP_006758.2, residues 644-664): PVDIGTSLIQ[Asp654=]MKAYLEGAGA